The following is an entry in ClinVar:

NM_018136.5(ASPM):c.9657T>G (p.Ser3219=)

Gene: ASPM (assembly factor for spindle microtubules; minus strand). Cytogenetic location: 1q31.3.
Variant type: single nucleotide variant.
Coding change: c.9657T>G on transcript NM_018136.5 (MANE Select); coding-DNA position 9657, T replaced by G.
Protein change: p.Ser3219=; no amino-acid change (serine 3219 retained).
Molecular consequence: synonymous variant.
Genome position (GRCh38, 1-based): chr1:197,090,368, A>C on the plus strand (T>G on the coding strand, the complement: ASPM is on the minus strand). VCF-style: chr1-197090368-A-C. GRCh37 (hg19) VCF-style: chr1-197059498-A-C.
Other names: c.4902T>G, p.Ser1634= (NM_001206846.2).
Identifiers: ClinVar variation 289606 (VCV000289606.23), dbSNP rs756879923, ClinGen allele CA1308885.

ClinVar aggregate classification (germline): Conflicting classifications of pathogenicity. Review status: criteria provided, conflicting classifications (1 of 4 stars). 6 submissions from 6 submitters: Uncertain significance (1); Benign (1); Likely benign (3). 1 of the submissions does not count toward it. Last evaluated 2025-02-10.

Conditions:
ASPM-related disorder. Also called: ASPM-related condition.

Allele frequency attached by ClinVar (database versions not stated): gnomAD 0.00005; gnomAD exomes 0.00005 and 0.00007; TOPMed 0.00007; ExAC 0.00009.
gnomAD v4.1: 87 of 1,610,406 alleles (0.0054%); highest among the groups gnomAD compares: Middle Eastern, 0.086%; 1 homozygote.

Submissions (6):

Labcorp Genetics (formerly Invitae), Labcorp
Classification: Benign. Last evaluated: 2025-02-10. Review status: criteria provided, single submitter. Criteria: Invitae Variant Classification Sherloc (09022015). Collection method: clinical testing. Allele origin: germline.

Blueprint Genetics
Classification: Likely benign. Last evaluated: 2024-06-19. Review status: criteria provided, single submitter. Criteria: ACMG Guidelines, 2015. Collection method: clinical testing. Allele origin: germline.

GeneDx
Classification: Likely benign. Last evaluated: 2019-12-17. Review status: criteria provided, single submitter. Criteria: GeneDx Variant Classification Process June 2021. Collection method: clinical testing. Allele origin: germline. Affected: yes.

Eurofins Ntd Llc (ga)
Classification: Uncertain significance. Last evaluated: 2016-07-29. Review status: criteria provided, single submitter. Criteria: EGL Classification Definitions 2015. Collection method: clinical testing. Allele origin: germline. Observed: 2 variant alleles, 2 heterozygotes.

Genetic Services Laboratory, University of Chicago
Classification: Likely benign. Last evaluated: 2016-07-07. Review status: criteria provided, single submitter. Criteria: ACMG Guidelines, 2015. Collection method: clinical testing. Allele origin: germline. Affected: no.

PreventionGenetics, part of Exact Sciences
Classification: Likely benign for ASPM-related condition. Last evaluated: 2019-06-21. Review status: no assertion criteria provided. Collection method: clinical testing. Allele origin: germline. Not counted in ClinVar's aggregate classification.
Comment: This variant is classified as likely benign based on ACMG/AMP sequence variant interpretation guidelines (Richards et al. 2015 PMID: 25741868, with internal and published modifications).